The following is an entry in ClinVar:

ClinVar aggregate classification (germline): Uncertain significance (1 of 4 stars; one submission).

Conditions:
Inborn genetic diseases. Identifiers: MedGen C0950123, MeSH D030342.

Submission:

Ambry Genetics
Classification: Uncertain significance for Inborn genetic diseases. Last evaluated: 2024-05-13. Review status: criteria provided, single submitter. Criteria: Ambry Variant Classification Scheme 2023. Collection method: clinical testing. Allele origin: germline.
Comment: The p.Q767R variant (also known as c.2300A>G), located in coding exon 15 of the EPAS1 gene, results from an A to G substitution at nucleotide position 2300. The glutamine at codon 767 is replaced by arginine, an amino acid with highly similar properties. This amino acid position is conserved. In addition, this alteration is predicted to be tolerated by in silico analysis. Based on the available evidence, the clinical significance of this variant remains unclear.

NM_001430.5(EPAS1):c.2300A>G (p.Gln767Arg)

Gene: EPAS1 (endothelial PAS domain protein 1; plus strand). Cytogenetic location: 2p21.
Variant type: single nucleotide variant.
Coding change: c.2300A>G on transcript NM_001430.5 (MANE Select); coding-DNA position 2300, A replaced by G.
Protein change: p.Gln767Arg; replaces glutamine 767 with arginine.
Molecular consequence: missense variant.
Genome position (GRCh38, 1-based): chr2:46,382,437, A>G. VCF-style: chr2-46382437-A-G. GRCh37 (hg19) VCF-style: chr2-46609576-A-G.
Other names: short protein forms Q767R.
Identifiers: ClinVar variation 3275719 (VCV003275719.1).